The following is an entry in ClinVar:

NM_001283009.2(RTEL1):c.1211C>T (p.Pro404Leu)

Genes: RTEL1 (regulator of telomere elongation helicase 1; plus strand), RTEL1-TNFRSF6B (RTEL1-TNFRSF6B readthrough (NMD candidate); plus strand). Cytogenetic location: 20q13.33.
Variant type: single nucleotide variant.
Coding change: c.1211C>T on transcript NM_001283009.2 (MANE Select); coding-DNA position 1211, C replaced by T.
Protein change: p.Pro404Leu; replaces proline 404 with leucine.
Molecular consequence: missense variant. On other transcripts: non-coding transcript variant (1).
Genome position (GRCh38, 1-based): chr20:63,685,542, C>T. VCF-style: chr20-63685542-C-T. GRCh37 (hg19) VCF-style: chr20-62316895-C-T.
Other names: c.542C>T, p.Pro181Leu (NM_001283010.1); c.1211C>T, p.Pro404Leu (NM_016434.4); c.1283C>T, p.Pro428Leu (NM_032957.5); short protein forms P181L, P404L, P428L.
Identifiers: ClinVar variation 4060903 (VCV004060903.2).
Genomic context (GRCh38, chr20:63,685,542, plus strand): 5'-CCTCAGGCTCCTGACGGGGCTGCACTTCCTCTGCCTTTCAGATTGTGTTCAGTGTGGACC[C>T]CTCCGAGGGCAGCCCTGGTTCCCCAGCAGGGCTGGGGGCCTTACAGTCCTATAAGGTAGG-3'
Protein context (NP_001269938.1, residues 394-414): DIIQIVFSVD[Pro404Leu]SEGSPGSPAG

ClinVar aggregate classification (germline): Uncertain significance. Review status: criteria provided, single submitter (1 of 4 stars). 2 submissions from 2 submitters: Uncertain significance (1). 1 of the submissions does not count toward it. Last evaluated 2025-09-27.

Conditions:
Dyskeratosis congenita. Identifiers: Orphanet 1775, MedGen C0265965, MONDO:0015780.
Inborn genetic diseases. Identifiers: MedGen C0950123, MeSH D030342.

Submissions (2):

Ambry Genetics
Classification: Uncertain significance for Inborn genetic diseases. Last evaluated: 2025-09-27. Review status: criteria provided, single submitter. Criteria: Ambry Variant Classification Scheme 2023. Collection method: clinical testing. Allele origin: germline.
Comment: The p.P404L variant (also known as c.1211C>T), located in coding exon 14 of the RTEL1 gene, results from a C to T substitution at nucleotide position 1211. The proline at codon 404 is replaced by leucine, an amino acid with similar properties. This amino acid position is conserved. In addition, this alteration is predicted to be tolerated by in silico analysis. Based on the available evidence, the clinical significance of this variant remains unclear.

Natera, Inc.
Classification: Uncertain significance for Dyskeratosis congenita. Last evaluated: 2025-05-12. Review status: no assertion criteria provided. Collection method: clinical testing. Allele origin: germline. Not counted in ClinVar's aggregate classification.